The following is an entry in ClinVar:

ClinVar aggregate classification (germline): Uncertain significance (1 of 4 stars; one submission).

Conditions:
Developmental and epileptic encephalopathy, 23 (DEE23). Also called: Epileptic encephalopathy, early infantile, 23. Identifiers: Orphanet 411986, MedGen C4014492, MONDO:0014371, OMIM 615859.

Allele frequency attached by ClinVar (database versions not stated): TOPMed below 0.00001; gnomAD exomes 0.00001.
gnomAD v4.1: 9 of 1,613,024 alleles (0.00056%); highest among the groups gnomAD compares: Middle Eastern, 0.017%; no homozygotes.

Submission:

Labcorp Genetics (formerly Invitae), Labcorp
Classification: Uncertain significance for Developmental and epileptic encephalopathy, 23. Last evaluated: 2022-02-10. Review status: criteria provided, single submitter. Criteria: Invitae Variant Classification Sherloc (09022015). Collection method: clinical testing. Allele origin: germline.
Comment: This sequence change replaces alanine, which is neutral and non-polar, with serine, which is neutral and polar, at codon 580 of the DOCK7 protein (p.Ala580Ser). The frequency data for this variant in the population databases is considered unreliable, as metrics indicate poor data quality at this position in the gnomAD database. This variant has not been reported in the literature in individuals affected with DOCK7-related conditions. ClinVar contains an entry for this variant (Variation ID: 838025). Algorithms developed to predict the effect of missense changes on protein structure and function are either unavailable or do not agree on the potential impact of this missense change (SIFT: "Deleterious"; PolyPhen-2: "Benign"; Align-GVGD: "Class C0"). In summary, the available evidence is currently insufficient to determine the role of this variant in disease. Therefore, it has been classified as a Variant of Uncertain Significance.

NM_001367561.1(DOCK7):c.1738G>T (p.Ala580Ser)

Gene: DOCK7 (dedicator of cytokinesis 7; minus strand). Cytogenetic location: 1p31.3.
Variant type: single nucleotide variant.
Coding change: c.1738G>T on transcript NM_001367561.1 (MANE Select); coding-DNA position 1738, G replaced by T.
Protein change: p.Ala580Ser; replaces alanine 580 with serine.
Molecular consequence: missense variant.
Genome position (GRCh38, 1-based): chr1:62,586,569, C>A on the plus strand (G>T on the coding strand, the complement: DOCK7 is on the minus strand). VCF-style: chr1-62586569-C-A. GRCh37 (hg19) VCF-style: chr1-63052240-C-A.
Other names: c.1738G>T, p.Ala580Ser (NM_001271999.2, NM_001272000.2, NM_001272001.2 and 3 more transcripts); short protein forms A580S.
Identifiers: ClinVar variation 838025 (VCV000838025.7), dbSNP rs769894876, ClinGen allele CA886471.